The following is an entry in ClinVar:

ClinVar aggregate classification (germline): Uncertain significance. Review status: criteria provided, multiple submitters, no conflicts (2 of 4 stars). 2 submissions from 2 submitters: Uncertain significance (2). Last evaluated 2021-07-06.

Conditions:
Monocytopenia with susceptibility to infections. Also called: MONOCYTOPENIA AND MYCOBACTERIAL INFECTION SYNDROME; MONOCYTOPENIA WITH SUSCEPTIBILITY TO MYCOBACTERIAL, FUNGAL, AND PAPILLOMAVIRUS INFECTIONS AND MYELODYSPLASIA; COMBINED IMMUNODEFICIENCY WITH SUSCEPTIBILITY TO MYCOBACTERIAL, VIRAL, AND FUNGAL INFECTIONS; Dendritic cell, monocyte, B lymphocyte, and natural killer lymphocyte deficiency; IMMUNODEFICIENCY 21; GATA2 DEFICIENCY. Identifiers: Orphanet 228423, MedGen C3280030, MONDO:0013607, OMIM 614172.
Deafness-lymphedema-leukemia syndrome. Also called: Lymphedema, primary, with myelodysplasia; Emberger syndrome. Identifiers: Orphanet 3226, MedGen C3279664, MONDO:0013540, OMIM 614038.
GATA2 deficiency with susceptibility to MDS/AML. Identifiers: MedGen CN300066, MONDO:0042982.

Submissions (2):

Molecular Pathology Research Laboratory, SA Pathology
Classification: Uncertain significance for GATA2 deficiency with susceptibility to MDS/AML; Deafness-lymphedema-leukemia syndrome. Last evaluated: 2021-07-06. Review status: criteria provided, single submitter. Criteria: ACMG Guidelines, 2015. Collection method: curation. Allele origin: unknown. Inheritance: Autosomal dominant inheritance. Affected: yes. Observed: 1 variant allele.
Comment: PM1, PM2, PP3

Labcorp Genetics (formerly Invitae), Labcorp
Classification: Uncertain significance for Monocytopenia with susceptibility to infections; Deafness-lymphedema-leukemia syndrome. Last evaluated: 2019-10-22. Review status: criteria provided, single submitter. Criteria: Invitae Variant Classification Sherloc (09022015). Collection method: clinical testing. Allele origin: germline.
Comment: This sequence change replaces asparagine with serine at codon 317 of the GATA2 protein (p.Asn317Ser). The asparagine residue is highly conserved and there is a small physicochemical difference between asparagine and serine. This variant is not present in population databases (ExAC no frequency). This variant has not been reported in the literature in individuals with GATA2-related conditions. Algorithms developed to predict the effect of missense changes on protein structure and function are either unavailable or do not agree on the potential impact of this missense change (SIFT: "Deleterious"; PolyPhen-2: "Probably Damaging"; Align-GVGD: "Class C0"). Algorithms developed to predict the effect of sequence changes on RNA splicing suggest that this variant may create or strengthen a splice site, but this prediction has not been confirmed by published transcriptional studies. In summary, the available evidence is currently insufficient to determine the role of this variant in disease. Therefore, it has been classified as a Variant of Uncertain Significance.

Literature cited by the submitters: PubMed 33560389 (cited by Molecular Pathology Research Laboratory, SA Pathology).

NM_032638.5(GATA2):c.950A>G (p.Asn317Ser)

Gene: GATA2 (GATA binding protein 2; minus strand). Cytogenetic location: 3q21.3.
Variant type: single nucleotide variant.
Coding change: c.950A>G on transcript NM_032638.5 (MANE Select); coding-DNA position 950, A replaced by G.
Protein change: p.Asn317Ser; replaces asparagine 317 with serine.
Molecular consequence: missense variant.
Genome position (GRCh38, 1-based): chr3:128,483,927, T>C on the plus strand (A>G on the coding strand, the complement: GATA2 is on the minus strand). VCF-style: chr3-128483927-T-C. GRCh37 (hg19) VCF-style: chr3-128202770-T-C.
Other names: c.950A>G, p.Asn317Ser (NM_001145661.2, NM_001145662.1); short protein forms N317S.
Identifiers: ClinVar variation 960898 (VCV000960898.10), dbSNP rs2068661734, ClinGen allele CA354404531.